The following is an entry in ClinVar:

NM_001220.5(CAMK2B):c.1415C>T (p.Ala472Val)

Gene: CAMK2B (calcium/calmodulin dependent protein kinase II beta; minus strand). Cytogenetic location: 7p13.
Variant type: single nucleotide variant.
Coding change: c.1415C>T on transcript NM_001220.5 (MANE Select); coding-DNA position 1415, C replaced by T.
Protein change: p.Ala472Val; replaces alanine 472 with valine.
Molecular consequence: missense variant. On other transcripts: intron variant (8).
Genome position (GRCh38, 1-based): chr7:44,228,849, G>A on the plus strand (C>T on the coding strand, the complement: CAMK2B is on the minus strand). VCF-style: chr7-44228849-G-A. GRCh37 (hg19) VCF-style: chr7-44268448-G-A.
Other names: c.947-7948C>T (NM_172084.3); c.1150+2157C>T (NM_172080.3); c.1036+2157C>T (NM_172083.3); c.1108+2157C>T (NM_172081.3); c.1153+2157C>T (NM_172079.3, NM_172082.3); c.1225+2157C>T (NM_001293170.2, NM_172078.3); c.1415C>T (NM_001220.4); short protein forms A472V.
Identifiers: ClinVar variation 1631278 (VCV001631278.11), dbSNP rs202187533, ClinGen allele CA4240318.
Genomic context (GRCh38, chr7:44,228,849, plus strand): 5'-TACTTACACGGGGAGGACAGGGGGCCTAGGAGAGCCGGAGACAGGCAGGGCGGGGGCCCC[G>A]CTGAGAGGGGGCCCTCGGCTTCTGGGGTTCCTGAACCCCTTCTCACAGAGTTCAGGATGT-3'
Protein context (NP_001211.3, residues 462-482): GTPEAEGPLS[Ala472Val]GPPPCLSPAL

ClinVar aggregate classification (germline): Likely benign. Review status: criteria provided, multiple submitters, no conflicts (2 of 4 stars). 3 submissions from 3 submitters: Likely benign (2). 1 of the submissions does not count toward it. Last evaluated 2025-11-08.

Conditions:
CAMK2B-related disorder. Also called: CAMK2B-related condition.
Inborn genetic diseases. Identifiers: MedGen C0950123, MeSH D030342.

Allele frequency attached by ClinVar (database versions not stated): ExAC 0.00014; gnomAD 0.00018 and 0.00022; gnomAD exomes 0.00021; TOPMed 0.00023; 1000 Genomes Project 30x 0.00062; 1000 Genomes Project 0.00080.
gnomAD v4.1: 310 of 1,477,576 alleles (0.021%); highest among the groups gnomAD compares: East Asian, 0.45%; no homozygotes.

Submissions (3):

Labcorp Genetics (formerly Invitae), Labcorp
Classification: Likely benign. Last evaluated: 2025-11-08. Review status: criteria provided, single submitter. Criteria: Invitae Variant Classification Sherloc (09022015). Collection method: clinical testing. Allele origin: germline.

Ambry Genetics
Classification: Likely benign for Inborn genetic diseases. Last evaluated: 2025-10-14. Review status: criteria provided, single submitter. Criteria: Ambry Variant Classification Scheme 2023. Collection method: clinical testing. Allele origin: germline.

PreventionGenetics, part of Exact Sciences
Classification: Likely benign for CAMK2B-related condition. Last evaluated: 2022-08-01. Review status: no assertion criteria provided. Collection method: clinical testing. Allele origin: germline. Not counted in ClinVar's aggregate classification.
Comment: This variant is classified as likely benign based on ACMG/AMP sequence variant interpretation guidelines (Richards et al. 2015 PMID: 25741868, with internal and published modifications).